The following is an entry in ClinVar:

NM_000321.3(RB1):c.1468G>A (p.Ala490Thr)

Gene: RB1 (RB transcriptional corepressor 1; plus strand). Cytogenetic location: 13q14.2.
Variant type: single nucleotide variant.
Coding change: c.1468G>A on transcript NM_000321.3 (MANE Select); coding-DNA position 1468, G replaced by A.
Protein change: p.Ala490Thr; replaces alanine 490 with threonine.
Molecular consequence: missense variant.
Genome position (GRCh38, 1-based): chr13:48,380,211, G>A. VCF-style: chr13-48380211-G-A. GRCh37 (hg19) VCF-style: chr13-48954347-G-A.
Other names: short protein forms A490T.
Identifiers: ClinVar variation 410920 (VCV000410920.21), dbSNP rs201458896, ClinGen allele CA028873.

ClinVar aggregate classification (germline): Conflicting classifications of pathogenicity. Review status: criteria provided, conflicting classifications (1 of 4 stars). 7 submissions from 7 submitters: Likely pathogenic (1); Uncertain significance (3); Benign (1); Likely benign (2). Last evaluated 2026-06-18.

Conditions:
Hereditary cancer-predisposing syndrome. Also called: Hereditary Cancer Syndrome; Neoplastic Syndromes, Hereditary; Hereditary neoplastic syndrome; Tumor predisposition. Identifiers: Orphanet 140162, MedGen C0027672, MeSH D009386, MONDO:0015356.
Ovarian cancer. Also called: OVARIAN CANCER, SOMATIC. Identifiers: Orphanet 213500, MedGen C1140680, MONDO:0008170, OMIM 167000.
Retinoblastoma (RB1). Also called: RETINOBLASTOMA, SOMATIC. Identifiers: Orphanet 790, MedGen C0035335, MeSH D012175, MONDO:0008380, OMIM 180200, HP:0009919. Disease mechanism: loss of function. Inheritance: Both sporadic and heritable forms are tested..

Allele frequency attached by ClinVar (database versions not stated): gnomAD 0.00001; 1000 Genomes Project 30x 0.00016; TOPMed 0.00001; 1000 Genomes Project 0.00020.
gnomAD v4.1: 23 of 1,605,006 alleles (0.0014%); highest among the groups gnomAD compares: Middle Eastern, 0.018%; no homozygotes.

Submissions (7):

Myriad Genetics, Inc.
Classification: Likely benign for Retinoblastoma. Last evaluated: 2026-06-18. Review status: criteria provided, single submitter. Criteria: Myriad Autosomal Dominant, Autosomal Recessive and X-Linked Classification Criteria (2023). Collection method: clinical testing. Allele origin: unknown.
Comment: This variant is considered likely benign. This variant has been observed at a population frequency that is significantly greater than expected given the associated disease prevalence and penetrance.

Labcorp Genetics (formerly Invitae), Labcorp
Classification: Likely benign for Retinoblastoma. Last evaluated: 2026-01-20. Review status: criteria provided, single submitter. Criteria: Invitae Variant Classification Sherloc (09022015). Collection method: clinical testing. Allele origin: germline.

All of Us Research Program, National Institutes of Health
Classification: Uncertain significance for Retinoblastoma. Last evaluated: 2024-05-30. Review status: criteria provided, single submitter. Criteria: ACMG Guidelines, 2015. Collection method: clinical testing. Allele origin: germline. Inheritance: Autosomal dominant inheritance. Observed: 1 variant allele, 1 heterozygote.
Comment: This missense variant replaces alanine with threonine at codon 490 of the RB1 protein. Computational prediction suggests that this variant may have deleterious impact on protein structure and function (internally defined REVEL score threshold >= 0.7, PMID: 27666373). To our knowledge, functional studies have not been reported for this variant. This variant has not been reported in individuals affected with hereditary cancer in the literature. This variant has been identified in 6/247962 chromosomes in the general population by the Genome Aggregation Database (gnomAD). The available evidence is insufficient to determine the role of this variant in disease conclusively. Therefore, this variant is classified as a Variant of Uncertain Significance.

This study involves interpretation of variants in research participants for the purpose of population health screening. Participant phenotype was not available at the time of variant classification. Additional details can be found in publication PMID: 35346344, PMCID: PMC8962531

Color Diagnostics, LLC DBA Color Health
Classification: Uncertain significance for Retinoblastoma. Last evaluated: 2024-05-15. Review status: criteria provided, single submitter. Criteria: ACMG Guidelines, 2015. Collection method: clinical testing. Allele origin: germline.
Comment: This missense variant replaces alanine with threonine at codon 490 of the RB1 protein. Computational prediction suggests that this variant may have deleterious impact on protein structure and function. To our knowledge, functional studies have not been reported for this variant. This variant has been reported in an individual affected with retinoblastoma (PMID: 24791139). This variant has been identified in 6/247962 chromosomes in the general population by the Genome Aggregation Database (gnomAD). The available evidence is insufficient to determine the role of this variant in disease conclusively. Therefore, this variant is classified as a Variant of Uncertain Significance.

Ambry Genetics
Classification: Benign for Hereditary cancer-predisposing syndrome. Last evaluated: 2022-02-17. Review status: criteria provided, single submitter. Criteria: Ambry Variant Classification Scheme 2023. Collection method: clinical testing. Allele origin: germline.

Laboratory of Molecular Epidemiology of Birth Defects, West China Second University Hospital, Sichuan University
Classification: Likely pathogenic for Ovarian cancer. Last evaluated: 2022-01-01. Review status: criteria provided, single submitter. Criteria: ACMG Guidelines, 2015. Collection method: clinical testing. Allele origin: germline. Affected: yes.

GeneDx
Classification: Uncertain significance. Last evaluated: 2021-01-08. Review status: criteria provided, single submitter. Criteria: GeneDx Variant Classification Process June 2021. Collection method: clinical testing. Allele origin: germline. Affected: yes.
Comment: In silico analysis supports that this missense variant does not alter protein structure/function; Observed in an individual with bilateral retinoblastoma (He 2014); This variant is associated with the following publications: (PMID: 24791139)

Literature cited by the submitters: PubMed 24791139 (cited by Color Diagnostics, LLC DBA Color Health and Ambry Genetics); PubMed 32091409 (cited by Ambry Genetics); PubMed 34190019 (cited by Ambry Genetics).